The following is an entry in ClinVar:

ClinVar aggregate classification (germline): Likely benign. Review status: criteria provided, multiple submitters, no conflicts (2 of 4 stars). 3 submissions from 3 submitters: Likely benign (3). Last evaluated 2024-12-08.

Allele frequency attached by ClinVar (database versions not stated): ExAC 0.00001; gnomAD 0.00001; gnomAD exomes 0.00001; TOPMed 0.00001.
gnomAD v4.1: 21 of 1,614,102 alleles (0.0013%); highest among the groups gnomAD compares: Middle Eastern, 0.15%; no homozygotes.

Submissions (3):

Labcorp Genetics (formerly Invitae), Labcorp
Classification: Likely benign. Last evaluated: 2024-12-08. Review status: criteria provided, single submitter. Criteria: Invitae Variant Classification Sherloc (09022015). Collection method: clinical testing. Allele origin: germline.

Blueprint Genetics
Classification: Likely benign. Last evaluated: 2024-06-14. Review status: criteria provided, single submitter. Criteria: ACMG Guidelines, 2015. Collection method: clinical testing. Allele origin: germline.

CeGaT Center for Human Genetics Tuebingen
Classification: Likely benign. Last evaluated: 2022-06-01. Review status: criteria provided, single submitter. Criteria: CeGaT Center For Human Genetics Tuebingen Variant Classification Criteria Version 2. Collection method: clinical testing. Allele origin: germline. Affected: yes. Observed: 1 variant allele.
Comment: NSD1: BP4, BP7

NM_022455.5(NSD1):c.642A>C (p.Thr214=)

Gene: NSD1 (nuclear receptor binding SET domain protein 1; plus strand). Cytogenetic location: 5q35.3.
Variant type: single nucleotide variant.
Coding change: c.642A>C on transcript NM_022455.5 (MANE Select); coding-DNA position 642, A replaced by C.
Protein change: p.Thr214=; no amino-acid change (threonine 214 retained).
Molecular consequence: synonymous variant. On other transcripts: intron variant (8).
Genome position (GRCh38, 1-based): chr5:177,135,745, A>C. VCF-style: chr5-177135745-A-C. GRCh37 (hg19) VCF-style: chr5-176562746-A-C.
Other names: c.418-196A>C (NM_001409304.1); c.-36-196A>C (NM_001409305.1, NM_001409306.1, NM_001409308.1 and 4 more transcripts); c.642A>C, p.Thr214= (NM_001409301.1, NM_001409302.1, NM_001409303.1).
Identifiers: ClinVar variation 2656099 (VCV002656099.27), dbSNP rs765612703, ClinGen allele CA3576920.